The following is an entry in ClinVar:

ClinVar aggregate classification (germline): Uncertain significance (1 of 4 stars; one submission).

Conditions:
Early-infantile DEE. Also called: Early infantile epileptic encephalopathy; Early infantile epileptic encephalopathy with suppression bursts; Ohtahara syndrome. Identifiers: Orphanet 1934, MedGen C0393706, MONDO:0800491.

Allele frequency attached by ClinVar (database versions not stated): gnomAD 0.00001; TOPMed 0.00002; ExAC 0.00004; gnomAD exomes 0.00005.
gnomAD v4.1: 40 of 1,609,120 alleles (0.0025%); highest among the groups gnomAD compares: Middle Eastern, 0.017%; no homozygotes.

Submission:

Labcorp Genetics (formerly Invitae), Labcorp
Classification: Uncertain significance for Early-infantile DEE. Last evaluated: 2025-08-18. Review status: criteria provided, single submitter. Criteria: Invitae Variant Classification Sherloc (09022015). Collection method: clinical testing. Allele origin: germline.
Comment: This sequence change replaces arginine, which is basic and polar, with tryptophan, which is neutral and slightly polar, at codon 115 of the ARHGEF15 protein (p.Arg115Trp). This variant is present in population databases (rs773380012, gnomAD 0.02%). This variant has not been reported in the literature in individuals affected with ARHGEF15-related conditions. ClinVar contains an entry for this variant (Variation ID: 530458). An algorithm developed to predict the effect of missense changes on protein structure and function (PolyPhen-2) suggests that this variant is likely to be tolerated. In summary, the available evidence is currently insufficient to determine the role of this variant in disease. Therefore, it has been classified as a Variant of Uncertain Significance.

NM_173728.4(ARHGEF15):c.343C>T (p.Arg115Trp)

Gene: ARHGEF15 (Rho guanine nucleotide exchange factor 15; plus strand). Cytogenetic location: 17p13.1.
Variant type: single nucleotide variant.
Coding change: c.343C>T on transcript NM_173728.4 (MANE Select); coding-DNA position 343, C replaced by T.
Protein change: p.Arg115Trp; replaces arginine 115 with tryptophan.
Molecular consequence: missense variant.
Genome position (GRCh38, 1-based): chr17:8,312,382, C>T. VCF-style: chr17-8312382-C-T. GRCh37 (hg19) VCF-style: chr17-8215700-C-T.
Other names: c.343C>T, p.Arg115Trp (NM_025014.2); short protein forms R115W.
Identifiers: ClinVar variation 530458 (VCV000530458.11), dbSNP rs773380012, ClinGen allele CA8374836.